The following is an entry in ClinVar:

NM_000489.6(ATRX):c.2838C>G (p.Ser946Arg)

Gene: ATRX (ATRX chromatin remodeler; minus strand). Cytogenetic location: Xq21.1.
Variant type: single nucleotide variant.
Coding change: c.2838C>G on transcript NM_000489.6 (MANE Select); coding-DNA position 2838, C replaced by G.
Protein change: p.Ser946Arg; replaces serine 946 with arginine.
Molecular consequence: missense variant.
Genome position (GRCh38, 1-based): chrX:77,682,418, G>C on the plus strand (C>G on the coding strand, the complement: ATRX is on the minus strand). VCF-style: chrX-77682418-G-C. GRCh37 (hg19) VCF-style: chrX-76937910-G-C.
Other names: c.2724C>G, p.Ser908Arg (NM_138270.5); short protein forms S908R, S946R.
Identifiers: ClinVar variation 1009555 (VCV001009555.9), dbSNP rs2071266406, ClinGen allele CA413710305.
Genomic context (GRCh38, chrX:77,682,418, plus strand): 5'-CTCTGCAATATCAGATAAGCCATCCTGTACTTTTTTACATGTTTTGGTTTTGAGATGCTT[G>C]CTCTTTTCTTTAGTTTCAGCAACTTTTCTAACTTCCAAAGAAGTAAAACTCTCCTCTTTC-3'
Protein context (NP_000480.3, residues 936-956): VRKVAETKEK[Ser946Arg]KHLKTKTCKK

ClinVar aggregate classification (germline): Uncertain significance (1 of 4 stars; one submission).

Conditions:
Alpha thalassemia-X-linked intellectual disability syndrome (ATRX). Also called: ALPHA-THALASSEMIA/MENTAL RETARDATION SYNDROME, X-LINKED; ATR, NONDELETION TYPE; ATR-X syndrome; Alpha thalassemia mental retardation syndrome, nondeletion type, X-linked; XLMR hypotonic face syndrome; X-linked alpha-thalassemia-mental retardation syndrome. Identifiers: Orphanet 847, MedGen C1845055, MONDO:0010519, OMIM 301040.

Submission:

Labcorp Genetics (formerly Invitae), Labcorp
Classification: Uncertain significance for Alpha thalassemia-X-linked intellectual disability syndrome. Last evaluated: 2020-08-06. Review status: criteria provided, single submitter. Criteria: Invitae Variant Classification Sherloc (09022015). Collection method: clinical testing. Allele origin: germline.
Comment: In summary, the available evidence is currently insufficient to determine the role of this variant in disease. Therefore, it has been classified as a Variant of Uncertain Significance. Advanced modeling of protein sequence and biophysical properties (such as structural, functional, and spatial information, amino acid conservation, physicochemical variation, residue mobility, and thermodynamic stability) performed at Invitae indicates that this missense variant is not expected to disrupt ATRX protein function. This variant has not been reported in the literature in individuals with ATRX-related conditions. This variant is not present in population databases (ExAC no frequency). This sequence change replaces serine with arginine at codon 946 of the ATRX protein (p.Ser946Arg). The serine residue is moderately conserved and there is a moderate physicochemical difference between serine and arginine.